The following is an entry in ClinVar:

ClinVar aggregate classification (germline): Uncertain significance (1 of 4 stars; one submission).

Allele frequency attached by ClinVar (database versions not stated): gnomAD exomes below 0.00001.
gnomAD v4.1: 2 of 1,614,208 alleles (0.00012%); highest among the groups gnomAD compares: Non-Finnish European, 0.00017%; no homozygotes.

Submission:

Labcorp Genetics (formerly Invitae), Labcorp
Classification: Uncertain significance. Last evaluated: 2022-02-22. Review status: criteria provided, single submitter. Criteria: Invitae Variant Classification Sherloc (09022015). Collection method: clinical testing. Allele origin: germline.
Comment: This sequence change replaces lysine, which is basic and polar, with arginine, which is basic and polar, at codon 407 of the PUS3 protein (p.Lys407Arg). In summary, the available evidence is currently insufficient to determine the role of this variant in disease. Therefore, it has been classified as a Variant of Uncertain Significance. Algorithms developed to predict the effect of missense changes on protein structure and function output the following: SIFT: "Tolerated"; PolyPhen-2: "Benign"; Align-GVGD: "Class C0". The arginine amino acid residue is found in multiple mammalian species, which suggests that this missense change does not adversely affect protein function. This variant has not been reported in the literature in individuals affected with PUS3-related conditions. This variant is not present in population databases (gnomAD no frequency).

NM_031307.4(PUS3):c.1220A>G (p.Lys407Arg)

Genes: HYLS1 (HYLS1 centriolar and ciliogenesis associated; plus strand), PUS3 (pseudouridine synthase 3; minus strand). Cytogenetic location: 11q24.2.
Variant type: single nucleotide variant.
Coding change: c.1220A>G on transcript NM_031307.4 (MANE Select); coding-DNA position 1220, A replaced by G.
Protein change: p.Lys407Arg; replaces lysine 407 with arginine.
Molecular consequence: missense variant. On other transcripts: intron variant (5).
Genome position (GRCh38, 1-based): chr11:125,894,011, T>C on the plus strand (A>G on the coding strand, the complement: PUS3 is on the minus strand). VCF-style: chr11-125894011-T-C. GRCh37 (hg19) VCF-style: chr11-125763906-T-C.
Other names: c.596A>G, p.Lys199Arg (NM_001271985.2); c.-81+2539T>C (NM_145014.3); c.-26+2539T>C (NM_001134793.2); c.-23+2539T>C (NM_001424364.1); c.-25-5333T>C (NM_001377269.1); c.-22-5336T>C (NM_001377270.1); short protein forms K407R, K199R.
Identifiers: ClinVar variation 1367905 (VCV001367905.6), dbSNP rs2134239936, ClinGen allele CA383196989.